The following is an entry in ClinVar:

ClinVar aggregate classification (germline): Conflicting classifications of pathogenicity. Review status: criteria provided, conflicting classifications (1 of 4 stars). 5 submissions from 5 submitters: Uncertain significance (3); Likely benign (2). Last evaluated 2025-03-17.

Conditions:
Catecholaminergic polymorphic ventricular tachycardia 1. Also called: RYR2-Related Catecholaminergic Polymorphic Ventricular Tachycardia; VENTRICULAR TACHYCARDIA, STRESS-INDUCED POLYMORPHIC 1; VENTRICULAR TACHYCARDIA, CATECHOLAMINERGIC POLYMORPHIC, 1, WITH OR WITHOUT ATRIAL DYSFUNCTION AND/OR DILATED CARDIOMYOPATHY. Identifiers: Orphanet 3286, MedGen C1631597, MONDO:0011484, OMIM 604772.
Cardiovascular phenotype. Identifiers: MedGen CN230736.

Allele frequency attached by ClinVar (database versions not stated): gnomAD exomes 0.00012; ExAC 0.00016; TOPMed 0.00028; gnomAD 0.00031 and 0.00032; 1000 Genomes Project 0.00160.
gnomAD v4.1: 208 of 1,593,582 alleles (0.013%); highest among the groups gnomAD compares: African/African-American, 0.082%; no homozygotes.

Submissions (5):

Women's Health and Genetics/Laboratory Corporation of America, LabCorp
Classification: Uncertain significance. Last evaluated: 2025-03-17. Review status: criteria provided, single submitter. Criteria: LabCorp Variant Classification Summary - May 2015. Collection method: clinical testing. Allele origin: germline.
Comment: Variant summary: CASQ2 c.1131A>T (p.Glu377Asp) results in a conservative amino acid change in the encoded protein sequence. Five of five in-silico tools predict a benign effect of the variant on protein function. The variant allele was found at a frequency of 0.00012 in 250952 control chromosomes. This frequency is not significantly higher than estimated for a pathogenic variant in CASQ2 causing Catecholaminergic Polymorphic Ventricular Tachycardia (0.00012 vs 0.0016), allowing no conclusion about variant significance. To our knowledge, no occurrence of c.1131A>T in individuals affected with Catecholaminergic Polymorphic Ventricular Tachycardia and no experimental evidence demonstrating its impact on protein function have been reported. ClinVar contains an entry for this variant (Variation ID: 162809). Based on the evidence outlined above, the variant was classified as uncertain significance.

Labcorp Genetics (formerly Invitae), Labcorp
Classification: Uncertain significance for Catecholaminergic polymorphic ventricular tachycardia 1. Last evaluated: 2025-01-07. Review status: criteria provided, single submitter. Criteria: Invitae Variant Classification Sherloc (09022015). Collection method: clinical testing. Allele origin: germline.
Comment: This sequence change replaces glutamic acid, which is acidic and polar, with aspartic acid, which is acidic and polar, at codon 377 of the CASQ2 protein (p.Glu377Asp). The frequency data for this variant in the population databases is considered unreliable, as metrics indicate poor data quality at this position in the gnomAD database. This variant has not been reported in the literature in individuals affected with CASQ2-related conditions. ClinVar contains an entry for this variant (Variation ID: 162809). Invitae Evidence Modeling of protein sequence and biophysical properties (such as structural, functional, and spatial information, amino acid conservation, physicochemical variation, residue mobility, and thermodynamic stability) indicates that this missense variant is not expected to disrupt CASQ2 protein function with a negative predictive value of 95%. In summary, the available evidence is currently insufficient to determine the role of this variant in disease. Therefore, it has been classified as a Variant of Uncertain Significance.

GeneDx
Classification: Likely benign. Last evaluated: 2018-01-11. Review status: criteria provided, single submitter. Criteria: GeneDx Variant Classification (06012015). Collection method: clinical testing. Allele origin: germline. Affected: yes.
Comment: This variant is considered likely benign or benign based on one or more of the following criteria: it is a conservative change, it occurs at a poorly conserved position in the protein, it is predicted to be benign by multiple in silico algorithms, and/or has population frequency not consistent with disease.

Ambry Genetics
Classification: Likely benign for Cardiovascular phenotype. Last evaluated: 2017-01-27. Review status: criteria provided, single submitter. Criteria: Ambry Variant Classification Scheme 2023. Collection method: clinical testing. Allele origin: germline.

Laboratory for Molecular Medicine, Mass General Brigham Personalized Medicine
Classification: Uncertain significance. Last evaluated: 2014-07-10. Review status: criteria provided, single submitter. Criteria: LMM Criteria. Collection method: clinical testing. Allele origin: germline. Observed: 1 variant allele.
Comment: Variant classified as Uncertain Significance - Favor Benign. The Glu377Asp varia nt in CASQ2 has not been previously reported in individuals with cardiomyopathy or in large population studies, though it has been reported in dbSNP without fre quency information (dbSNP rs148824162). Glutamic acid (Glu) at position 377 is n ot conserved in mammals or evolutionarily distant species and several mammals an d birds carry an aspartic acid (Asp) at this position, supporting that this chan ge may be tolerated. In addition, this variant is located within a stretch of as partic acid residues. Additional computational prediction tools suggest that thi s variant may not impact the protein, though this information is not predictive enough to rule out pathogenicity. In summary, while the clinical significance of the Glu377Asp variant is uncertain, the presence of the variant amino acid in o ther species suggests that it is more likely to be benign.

NM_001232.4(CASQ2):c.1131A>T (p.Glu377Asp)

Gene: CASQ2 (calsequestrin 2; minus strand). Cytogenetic location: 1p13.1.
Variant type: single nucleotide variant.
Coding change: c.1131A>T on transcript NM_001232.4 (MANE Select); coding-DNA position 1131, A replaced by T.
Protein change: p.Glu377Asp; replaces glutamic acid 377 with aspartic acid.
Molecular consequence: missense variant.
Genome position (GRCh38, 1-based): chr1:115,701,310, T>A on the plus strand (A>T on the coding strand, the complement: CASQ2 is on the minus strand). VCF-style: chr1-115701310-T-A. GRCh37 (hg19) VCF-style: chr1-116243931-T-A.
Other names: p.E377D:GAA>GAT; short protein forms E377D.
Identifiers: ClinVar variation 162809 (VCV000162809.18), dbSNP rs148824162, ClinGen allele CA175352.